The following is an entry in ClinVar:

NM_015099.4(CAMTA2):c.2633A>G (p.Asp878Gly)

Gene: CAMTA2 (calmodulin binding transcription activator 2; minus strand). Cytogenetic location: 17p13.2.
Variant type: single nucleotide variant.
Coding change: c.2633A>G on transcript NM_015099.4 (MANE Select); coding-DNA position 2633, A replaced by G.
Protein change: p.Asp878Gly; replaces aspartic acid 878 with glycine.
Molecular consequence: missense variant.
Genome position (GRCh38, 1-based): chr17:4,972,407, T>C on the plus strand (A>G on the coding strand, the complement: CAMTA2 is on the minus strand). VCF-style: chr17-4972407-T-C. GRCh37 (hg19) VCF-style: chr17-4875702-T-C.
Other names: c.2639A>G, p.Asp880Gly (NM_001171166.2); c.2702A>G, p.Asp901Gly (NM_001171167.2); c.2630A>G, p.Asp877Gly (NM_001171168.2); short protein forms D880G, D877G, D901G, D878G.
Identifiers: ClinVar variation 2359900 (VCV002359900.24), dbSNP rs149983655, ClinGen allele CA8317301.

ClinVar aggregate classification (germline): Conflicting classifications of pathogenicity. Review status: criteria provided, conflicting classifications (1 of 4 stars). 2 submissions from 2 submitters: Uncertain significance (1); Likely benign (1). Last evaluated 2024-02-01.

Allele frequency attached by ClinVar (database versions not stated): 1000 Genomes Project 30x 0.00016; 1000 Genomes Project 0.00020; ESP Exome Variant Server 0.00085.
gnomAD v4.1: 2,160 of 1,614,024 alleles (0.13%); highest among the groups gnomAD compares: Non-Finnish European, 0.17%; 3 homozygotes.

Submissions (2):

CeGaT Center for Human Genetics Tuebingen
Classification: Likely benign. Last evaluated: 2024-02-01. Review status: criteria provided, single submitter. Criteria: CeGaT Center For Human Genetics Tuebingen Variant Classification Criteria Version 2. Collection method: clinical testing. Allele origin: germline. Affected: yes. Observed: 1 variant allele.
Comment: CAMTA2: BP4

Ambry Genetics
Classification: Uncertain significance. Last evaluated: 2021-08-12. Review status: criteria provided, single submitter. Criteria: Ambry Variant Classification Scheme 2023. Collection method: clinical testing. Allele origin: germline.